The following is an entry in ClinVar:

ClinVar aggregate classification (germline): Uncertain significance (1 of 4 stars; one submission).

Allele frequency attached by ClinVar (database versions not stated): gnomAD exomes below 0.00001.
gnomAD v4.1: 6 of 1,613,676 alleles (0.00037%); highest among the groups gnomAD compares: East Asian, 0.0022%; no homozygotes.

Submission:

Labcorp Genetics (formerly Invitae), Labcorp
Classification: Uncertain significance. Last evaluated: 2021-10-13. Review status: criteria provided, single submitter. Criteria: Invitae Variant Classification Sherloc (09022015). Collection method: clinical testing. Allele origin: germline.
Comment: In summary, the available evidence is currently insufficient to determine the role of this variant in disease. Therefore, it has been classified as a Variant of Uncertain Significance. Algorithms developed to predict the effect of missense changes on protein structure and function are either unavailable or do not agree on the potential impact of this missense change (SIFT: "Deleterious"; PolyPhen-2: "Benign"; Align-GVGD: "Class C0"). This variant has not been reported in the literature in individuals affected with RBBP8-related conditions. This variant is present in population databases (rs774630835, ExAC 0.006%). This sequence change replaces arginine with cysteine at codon 877 of the RBBP8 protein (p.Arg877Cys). The arginine residue is highly conserved and there is a large physicochemical difference between arginine and cysteine.

NM_002894.3(RBBP8):c.2629C>T (p.Arg877Cys)

Gene: RBBP8 (RB binding protein 8, endonuclease; plus strand). Cytogenetic location: 18q11.2.
Variant type: single nucleotide variant.
Coding change: c.2629C>T on transcript NM_002894.3 (MANE Select); coding-DNA position 2629, C replaced by T.
Protein change: p.Arg877Cys; replaces arginine 877 with cysteine.
Molecular consequence: missense variant. On other transcripts: synonymous variant (1).
Genome position (GRCh38, 1-based): chr18:23,026,175, C>T. VCF-style: chr18-23026175-C-T. GRCh37 (hg19) VCF-style: chr18-20606138-C-T.
Other names: c.2629C>T, p.Arg877Cys (NM_203291.2); c.2532C>T, p.Leu844= (NM_203292.2); short protein forms R877C.
Identifiers: ClinVar variation 1478805 (VCV001478805.6), dbSNP rs774630835, ClinGen allele CA8910427.
Genomic context (GRCh38, chr18:23,026,175, plus strand): 5'-TCTTCTAAGTTTATGATTTGTTTTTAAGGTTATATTAAGGAAGATCTTGATCCTTGTCCT[C>T]GTCCAAAAAGACGTCAGCCTTACAACGCAATATTTTCTCCAAAAGGCAAGGAGCAGAAGA-3'
Protein context (NP_002885.1, residues 867-887): YIKEDLDPCP[Arg877Cys]PKRRQPYNAI